The following is an entry in ClinVar:

ClinVar aggregate classification (germline): Uncertain significance. Review status: criteria provided, multiple submitters, no conflicts (2 of 4 stars). 2 submissions from 2 submitters: Uncertain significance (2). Last evaluated 2024-11-03.

Conditions:
Colorectal cancer, hereditary nonpolyposis, type 7. Identifiers: Orphanet 144, MedGen C1858380, MONDO:0013725, OMIM 614385.

Allele frequency attached by ClinVar (database versions not stated): gnomAD 0.00001; gnomAD exomes below 0.00001.
gnomAD v4.1: 2 of 1,613,854 alleles (0.00012%); highest among the groups gnomAD compares: Admixed American, 0.0033%; no homozygotes.

Submissions (2):

Ambry Genetics
Classification: Uncertain significance. Last evaluated: 2024-11-03. Review status: criteria provided, single submitter. Criteria: Ambry Variant Classification Scheme 2023. Collection method: clinical testing. Allele origin: germline.
Comment: The p.S451R variant (also known as c.1353C>G), located in coding exon 1 of the MLH3 gene, results from a C to G substitution at nucleotide position 1353. The serine at codon 451 is replaced by arginine, an amino acid with dissimilar properties. This amino acid position is conserved. In addition, this alteration is predicted to be tolerated by in silico analysis. Since supporting evidence is limited at this time, the clinical significance of this alteration remains unclear.

Labcorp Genetics (formerly Invitae), Labcorp
Classification: Uncertain significance for Colorectal cancer, hereditary nonpolyposis, type 7. Last evaluated: 2022-02-06. Review status: criteria provided, single submitter. Criteria: Invitae Variant Classification Sherloc (09022015). Collection method: clinical testing. Allele origin: germline.
Comment: In summary, the available evidence is currently insufficient to determine the role of this variant in disease. Therefore, it has been classified as a Variant of Uncertain Significance. Algorithms developed to predict the effect of missense changes on protein structure and function (SIFT, PolyPhen-2, Align-GVGD) all suggest that this variant is likely to be tolerated. ClinVar contains an entry for this variant (Variation ID: 573353). This variant has not been reported in the literature in individuals affected with MLH3-related conditions. This variant is present in population databases (no rsID available, gnomAD 0.003%). This sequence change replaces serine, which is neutral and polar, with arginine, which is basic and polar, at codon 451 of the MLH3 protein (p.Ser451Arg).

NM_001040108.2(MLH3):c.1353C>G (p.Ser451Arg)

Gene: MLH3 (mutL homolog 3; minus strand). Cytogenetic location: 14q24.3.
Variant type: single nucleotide variant.
Coding change: c.1353C>G on transcript NM_001040108.2 (MANE Select); coding-DNA position 1353, C replaced by G.
Protein change: p.Ser451Arg; replaces serine 451 with arginine.
Molecular consequence: missense variant.
Genome position (GRCh38, 1-based): chr14:75,048,303, G>C on the plus strand (C>G on the coding strand, the complement: MLH3 is on the minus strand). VCF-style: chr14-75048303-G-C. GRCh37 (hg19) VCF-style: chr14-75515006-G-C.
Other names: c.1353C>G, p.Ser451Arg (NM_014381.3); short protein forms S451R.
Identifiers: ClinVar variation 573353 (VCV000573353.12), dbSNP rs1479636962, ClinGen allele CA390446281.